The following is an entry in ClinVar:

NM_001035.3(RYR2):c.13034A>T (p.Asp4345Val)

Genes: RYR2 (ryanodine receptor 2; plus strand), LOC126806068 (BRD4-independent group 4 enhancer GRCh37_chr1:237947411-237948610; plus strand). Cytogenetic location: 1q43.
Variant type: single nucleotide variant.
Coding change: c.13034A>T on transcript NM_001035.3 (MANE Select); coding-DNA position 13034, A replaced by T.
Protein change: p.Asp4345Val; replaces aspartic acid 4345 with valine.
Molecular consequence: missense variant.
Genome position (GRCh38, 1-based): chr1:237,784,746, A>T. VCF-style: chr1-237784746-A-T. GRCh37 (hg19) VCF-style: chr1-237948046-A-T.
Other names: short protein forms D4345V.
Identifiers: ClinVar variation 924277 (VCV000924277.5), dbSNP rs1695410103, ClinGen allele CA345415060.

ClinVar aggregate classification (germline): Uncertain significance (1 of 4 stars; one submission).

Conditions:
Cardiomyopathy (CMYO). Also called: Cardiomyopathies. Identifiers: Orphanet 167848, MedGen C0878544, MONDO:0004994, HP:0001638. Inheritance: Various modes of inheritance.

Submission:

Color Diagnostics, LLC DBA Color Health
Classification: Uncertain significance for Cardiomyopathy. Last evaluated: 2023-12-05. Review status: criteria provided, single submitter. Criteria: ACMG Guidelines, 2015. Collection method: clinical testing. Allele origin: germline.
Comment: This missense variant replaces aspartic acid with valine at codon 4345 of the RYR2 protein. Computational prediction tools and conservation analyses suggest that this variant may have deleterious impact on the protein function. Computational splicing tools suggest that this variant may not impact RNA splicing. To our knowledge, functional assays have not been performed for this variant nor has this variant been reported in individuals affected with cardiovascular disorders in the literature. This variant has not been identified in the general population by the Genome Aggregation Database (gnomAD). Available evidence is insufficient to determine the role of this variant in disease conclusively. Therefore, this variant is classified as a Variant of Uncertain Significance.